The following is an entry in ClinVar:

NM_012470.4(TNPO3):c.2154G>T (p.Arg718=)

Gene: TNPO3 (transportin 3; minus strand). Cytogenetic location: 7q32.1.
Variant type: single nucleotide variant.
Coding change: c.2154G>T on transcript NM_012470.4 (MANE Select); coding-DNA position 2154, G replaced by T.
Protein change: p.Arg718=; no amino-acid change (arginine 718 retained).
Molecular consequence: synonymous variant. On other transcripts: non-coding transcript variant (18).
Genome position (GRCh38, 1-based): chr7:128,975,843, C>A on the plus strand (G>T on the coding strand, the complement: TNPO3 is on the minus strand). VCF-style: chr7-128975843-C-A. GRCh37 (hg19) VCF-style: chr7-128615897-C-A.
Other names: p.Arg718=; c.1962G>T, p.Arg654= (NM_001191028.3, NM_001382223.1); c.2256G>T, p.Arg752= (NM_001382216.1); c.2235G>T, p.Arg745= (NM_001382217.1); c.2154G>T, p.Arg718= (NM_001382218.1); c.2046G>T, p.Arg682= (NM_001382219.1); c.2013G>T, p.Arg671= (NM_001382220.1); c.2010G>T, p.Arg670= (NM_001382221.1); and 1 more.
Identifiers: ClinVar variation 380944 (VCV000380944.14), dbSNP rs35060568, ClinGen allele CA4477959.

ClinVar aggregate classification (germline): Benign. Review status: criteria provided, multiple submitters, no conflicts (2 of 4 stars). 4 submissions from 4 submitters: Benign (4). Last evaluated 2026-01-29.

Conditions:
Autosomal dominant limb-girdle muscular dystrophy type 1F (LGMDD2). Also called: Limb-girdle muscular dystrophy, type 1F; MUSCULAR DYSTROPHY, LIMB-GIRDLE, AUTOSOMAL DOMINANT 2. Identifiers: Orphanet 55595, MedGen C1842062, MONDO:0012034, OMIM 608423.

Allele frequency attached by ClinVar (database versions not stated): gnomAD exomes 0.00145 and 0.00367; ExAC 0.00443; gnomAD 0.01361 and 0.01445; 1000 Genomes Project 0.01438; TOPMed 0.01508; 1000 Genomes Project 30x 0.01562; ESP Exome Variant Server 0.01661.
gnomAD v4.1: 4,278 of 1,613,618 alleles (0.27%); highest among the groups gnomAD compares: African/African-American, 4.8%; 87 homozygotes.

Submissions (4):

Labcorp Genetics (formerly Invitae), Labcorp
Classification: Benign for Autosomal dominant limb-girdle muscular dystrophy type 1F. Last evaluated: 2026-01-29. Review status: criteria provided, single submitter. Criteria: Invitae Variant Classification Sherloc (09022015). Collection method: clinical testing. Allele origin: germline.

Mayo Clinic Laboratories, Mayo Clinic
Classification: Benign. Last evaluated: 2024-02-29. Review status: criteria provided, single submitter. Criteria: ACMG Guidelines, 2015. Collection method: clinical testing. Allele origin: germline. Observed: 5 variant alleles.

GeneDx
Classification: Benign. Last evaluated: 2016-10-31. Review status: criteria provided, single submitter. Criteria: GeneDx Variant Classification (06012015). Collection method: clinical testing. Allele origin: germline. Affected: yes.
Comment: This variant is considered likely benign or benign based on one or more of the following criteria: it is a conservative change, it occurs at a poorly conserved position in the protein, it is predicted to be benign by multiple in silico algorithms, and/or has population frequency not consistent with disease.

Breakthrough Genomics
Classification: Benign. Review status: criteria provided, single submitter. Criteria: ACMG Guidelines, 2015. Collection method: not provided. Allele origin: germline. Inheritance: Autosomal dominant inheritance. Affected: yes.